The following is an entry in ClinVar:

ClinVar aggregate classification (germline): Pathogenic. Review status: criteria provided, multiple submitters, no conflicts (2 of 4 stars). 4 submissions from 4 submitters: Pathogenic (3). 1 of the submissions does not count toward it. Last evaluated 2025-12-18.

Conditions:
Retinal dystrophy. Also called: Inherited retinal dystrophy. Identifiers: Orphanet 71862, MedGen C0854723, MeSH D058499, MONDO:0019118, HP:0000556.
Autosomal recessive retinitis pigmentosa. Identifiers: MedGen C0339526.
C2ORF71-related disorders.

Submissions (4):

Labcorp Genetics (formerly Invitae), Labcorp
Classification: Pathogenic. Last evaluated: 2025-12-18. Review status: criteria provided, single submitter. Criteria: Invitae Variant Classification Sherloc (09022015). Collection method: clinical testing. Allele origin: germline.
Comment: This sequence change creates a premature translational stop signal (p.Thr509Leufs*32) in the PCARE gene. It is expected to result in an absent or disrupted protein product. Loss-of-function variants in PCARE are known to be pathogenic (PMID: 20398886, 24339724, 26496393). This variant is present in population databases (rs753619551, gnomAD 0.0009%). This premature translational stop signal has been observed in individual(s) with retinitis pigmentosa (PMID: 23105016). ClinVar contains an entry for this variant (Variation ID: 866909). For these reasons, this variant has been classified as Pathogenic.

Blueprint Genetics
Classification: Pathogenic for C2ORF71-related disorders. Last evaluated: 2017-11-13. Review status: criteria provided, single submitter. Criteria: ACMG Guidelines, 2015. Collection method: clinical testing. Allele origin: germline. Affected: yes. Observed: 1 variant allele.

Institute of Human Genetics, Univ. Regensburg, Univ. Regensburg
Classification: Pathogenic for Retinal dystrophy. Last evaluated: 2015-01-01. Review status: criteria provided, single submitter. Criteria: ACMG Guidelines, 2015. Collection method: clinical testing. Allele origin: germline. Affected: yes.

Faculty of Health Sciences, Beirut Arab University
Classification: Pathogenic for Autosomal recessive Retinitis Pigmentosa. Last evaluated: 2012-10-26. Review status: no assertion criteria provided. Collection method: literature only. Allele origin: germline. Affected: yes. Observed: 2 variant alleles. Not counted in ClinVar's aggregate classification.

Literature cited by the submitters: PubMed 20398886 (cited by Labcorp Genetics (formerly Invitae), Labcorp); PubMed 24339724 (cited by Labcorp Genetics (formerly Invitae), Labcorp); PubMed 26496393 (cited by Labcorp Genetics (formerly Invitae), Labcorp); PubMed 23105016 (cited by 3 submitters); PubMed 3196484 (cited by Institute of Human Genetics, Univ. Regensburg, Univ. Regensburg).

NM_001029883.3(PCARE):c.1525del (p.Thr509fs)

Gene: PCARE (photoreceptor cilium actin regulator; minus strand). Cytogenetic location: 2p23.2.
Variant type: Deletion.
Coding change: c.1525del on transcript NM_001029883.3 (MANE Select); coding-DNA position 1525, one base deleted (A; older notation c.1525delA).
Protein change: p.Thr509fs; shifts the reading frame from threonine 509.
Molecular consequence: frameshift variant.
Genome position (GRCh38, 1-based): chr2:29,072,737, T deleted on the plus strand (A on the coding strand, the reverse complement: PCARE is on the minus strand); the first of 6 consecutive T bases (chr2:29,072,737-29,072,742); deleting any one gives the same sequence. VCF-style (leftmost placement, unchanged base first): chr2-29072736-GT-G. GRCh37 (hg19) VCF-style: chr2-29295602-GT-G.
Other names: c.1525del (NM_001029883.2); short protein forms T509fs.
Identifiers: ClinVar variation 866909 (VCV000866909.5), dbSNP rs753619551, ClinGen allele CA1592406.